The following is an entry in ClinVar:

ClinVar aggregate classification (germline): Uncertain significance (1 of 4 stars; one submission).

Submission:

Labcorp Genetics (formerly Invitae), Labcorp
Classification: Uncertain significance. Last evaluated: 2021-12-10. Review status: criteria provided, single submitter. Criteria: Invitae Variant Classification Sherloc (09022015). Collection method: clinical testing. Allele origin: germline.
Comment: In summary, the available evidence is currently insufficient to determine the role of this variant in disease. Therefore, it has been classified as a Variant of Uncertain Significance. Algorithms developed to predict the effect of missense changes on protein structure and function are either unavailable or do not agree on the potential impact of this missense change (SIFT: "Deleterious"; PolyPhen-2: "Probably Damaging"; Align-GVGD: "Class C0"). This variant has not been reported in the literature in individuals affected with SHPK-related conditions. This variant is not present in population databases (gnomAD no frequency). This sequence change replaces glycine, which is neutral and non-polar, with aspartic acid, which is acidic and polar, at codon 9 of the SHPK protein (p.Gly9Asp).

NM_013276.4(SHPK):c.26G>A (p.Gly9Asp)

Gene: SHPK (sedoheptulokinase; minus strand). Cytogenetic location: 17p13.2.
Variant type: single nucleotide variant.
Coding change: c.26G>A on transcript NM_013276.4 (MANE Select); coding-DNA position 26, G replaced by A.
Protein change: p.Gly9Asp; replaces glycine 9 with aspartic acid.
Molecular consequence: missense variant.
Genome position (GRCh38, 1-based): chr17:3,636,194, C>T on the plus strand (G>A on the coding strand, the complement: SHPK is on the minus strand). VCF-style: chr17-3636194-C-T. GRCh37 (hg19) VCF-style: chr17-3539488-C-T.
Other names: short protein forms G9D.
Identifiers: ClinVar variation 2037845 (VCV002037845.4), dbSNP rs2507608728, ClinGen allele CA397684014.
Genomic context (GRCh38, chr17:3,636,194, plus strand): 5'-GGGTCGTCGGGCGCGGCCCTCAGCAGAGCTGCCTTCACAGATGTGGTGCCCAGGTCAATG[C>T]CGAGGGTGATCGGCCGCGCAGCCATTATCTCCCTGACCCGCGCAGCTCCAGTCTGCAGCC-3'
Protein context (NP_037408.2, residues 1-19): MAARPITL[Gly9Asp]IDLGTTSVKA